The following is an entry in ClinVar:

NM_020529.3(NFKBIA):c.841C>A (p.Pro281Thr)

Gene: NFKBIA (NFKB inhibitor alpha; minus strand). Cytogenetic location: 14q13.2.
Variant type: single nucleotide variant.
Coding change: c.841C>A on transcript NM_020529.3 (MANE Select); coding-DNA position 841, C replaced by A.
Protein change: p.Pro281Thr; replaces proline 281 with threonine.
Molecular consequence: missense variant.
Genome position (GRCh38, 1-based): chr14:35,402,459, G>T on the plus strand (C>A on the coding strand, the complement: NFKBIA is on the minus strand). VCF-style: chr14-35402459-G-T. GRCh37 (hg19) VCF-style: chr14-35871665-G-T.
Other names: short protein forms P281T.
Identifiers: ClinVar variation 2724326 (VCV002724326.4), dbSNP rs756020078, ClinGen allele CA389451984.

ClinVar aggregate classification (germline): Uncertain significance. Review status: criteria provided, multiple submitters, no conflicts (2 of 4 stars). 2 submissions from 2 submitters: Uncertain significance (2). Last evaluated 2025-04-09.

Conditions:
Ectodermal dysplasia and immunodeficiency 2. Identifiers: Orphanet 238468, Orphanet 98813, MedGen C2677481, MONDO:0012806, OMIM 612132.
Inborn genetic diseases. Identifiers: MedGen C0950123, MeSH D030342.

Allele frequency attached by ClinVar (database versions not stated): TOPMed 0.00003; gnomAD 0.00004.
gnomAD v4.1: 7 of 1,614,038 alleles (0.00043%); highest among the groups gnomAD compares: Admixed American, 0.0083%; no homozygotes.

Submissions (2):

Labcorp Genetics (formerly Invitae), Labcorp
Classification: Uncertain significance for Ectodermal dysplasia and immunodeficiency 2. Last evaluated: 2025-04-09. Review status: criteria provided, single submitter. Criteria: Invitae Variant Classification Sherloc (09022015). Collection method: clinical testing. Allele origin: germline.
Comment: This sequence change replaces proline, which is neutral and non-polar, with threonine, which is neutral and polar, at codon 281 of the NFKBIA protein (p.Pro281Thr). This variant is not present in population databases (gnomAD no frequency). This variant has not been reported in the literature in individuals affected with NFKBIA-related conditions. ClinVar contains an entry for this variant (Variation ID: 2724326). An algorithm developed to predict the effect of missense changes on protein structure and function (PolyPhen-2) suggests that this variant is likely to be disruptive. In summary, the available evidence is currently insufficient to determine the role of this variant in disease. Therefore, it has been classified as a Variant of Uncertain Significance.

Ambry Genetics
Classification: Uncertain significance for Inborn genetic diseases. Last evaluated: 2023-12-09. Review status: criteria provided, single submitter. Criteria: Ambry Variant Classification Scheme 2023. Collection method: clinical testing. Allele origin: germline.